The following is an entry in ClinVar:

NM_199420.4(POLQ):c.3326A>G (p.Asp1109Gly)

Gene: POLQ (DNA polymerase theta; minus strand). Cytogenetic location: 3q13.33.
Variant type: single nucleotide variant.
Coding change: c.3326A>G on transcript NM_199420.4 (MANE Select); coding-DNA position 3326, A replaced by G.
Protein change: p.Asp1109Gly; replaces aspartic acid 1109 with glycine.
Molecular consequence: missense variant.
Genome position (GRCh38, 1-based): chr3:121,489,605, T>C on the plus strand (A>G on the coding strand, the complement: POLQ is on the minus strand). VCF-style: chr3-121489605-T-C. GRCh37 (hg19) VCF-style: chr3-121208452-T-C.
Other names: short protein forms D1109G.
Identifiers: ClinVar variation 1730243 (VCV001730243.2), dbSNP rs768051247, ClinGen allele CA354100642.

ClinVar aggregate classification (germline): Uncertain significance (1 of 4 stars; one submission).

Submission:

Ambry Genetics
Classification: Uncertain significance. Last evaluated: 2024-03-23. Review status: criteria provided, single submitter. Criteria: Ambry Variant Classification Scheme 2023. Collection method: clinical testing. Allele origin: germline.
Comment: The p.D1109G variant (also known as c.3326A>G), located in coding exon 16 of the POLQ gene, results from an A to G substitution at nucleotide position 3326. The aspartic acid at codon 1109 is replaced by glycine, an amino acid with similar properties. This amino acid position is conserved. In addition, this alteration is predicted to be tolerated by in silico analysis. Since supporting evidence is limited at this time, the clinical significance of this alteration remains unclear.